The following is an entry in ClinVar:

ClinVar aggregate classification (germline): Conflicting classifications of pathogenicity. Review status: criteria provided, conflicting classifications (1 of 4 stars). 4 submissions from 4 submitters: Uncertain significance (2); Likely benign (2). Last evaluated 2026-03-27.

Conditions:
Autosomal recessive limb-girdle muscular dystrophy type 2J (LGMDR10). Also called: MUSCULAR DYSTROPHY, LIMB-GIRDLE, AUTOSOMAL RECESSIVE 10; Limb-girdle muscular dystrophy, type 2J. Identifiers: Orphanet 140922, MedGen C1837342, MONDO:0012127, OMIM 608807.
Dilated cardiomyopathy 1G (CMD1G). Identifiers: Orphanet 154, MedGen C1858763, MONDO:0011400, OMIM 604145.

Allele frequency attached by ClinVar (database versions not stated): gnomAD exomes 0.00006 and 0.00002; gnomAD 0.00004; ExAC 0.00005; TOPMed 0.00008.
gnomAD v4.1: 33 of 1,612,698 alleles (0.002%); highest among the groups gnomAD compares: East Asian, 0.06%; no homozygotes.

Submissions (4):

Molecular Diagnostic Laboratory for Inherited Cardiovascular Disease, Montreal Heart Institute
Classification: Likely benign. Last evaluated: 2026-03-27. Review status: criteria provided, single submitter. Criteria: ACMG Guidelines, 2015. Collection method: clinical testing. Allele origin: germline. Affected: no.
Comment: BS1;BP1

Revvity Omics, Revvity
Classification: Uncertain significance. Last evaluated: 2021-09-20. Review status: criteria provided, single submitter. Criteria: ACMG Guidelines, 2015. Collection method: clinical testing. Allele origin: germline.

GeneDx
Classification: Likely benign. Last evaluated: 2019-01-11. Review status: criteria provided, single submitter. Criteria: GeneDx Variant Classification Process June 2021. Collection method: clinical testing. Allele origin: germline. Affected: yes.
Comment: This variant is associated with the following publications: (PMID: 31983221)

Labcorp Genetics (formerly Invitae), Labcorp
Classification: Uncertain significance for Dilated cardiomyopathy 1G; Autosomal recessive limb-girdle muscular dystrophy type 2J. Last evaluated: 2016-05-04. Review status: criteria provided, single submitter. Criteria: Invitae Variant Classification Sherloc (09022015). Collection method: clinical testing. Allele origin: germline.

NM_001267550.2(TTN):c.1640A>G (p.Gln547Arg)

Gene: TTN (titin; minus strand). Cytogenetic location: 2q31.2.
Variant type: single nucleotide variant.
Coding change: c.1640A>G on transcript NM_001267550.2 (MANE Select); coding-DNA position 1640, A replaced by G.
Protein change: p.Gln547Arg; replaces glutamine 547 with arginine.
Molecular consequence: missense variant.
Genome position (GRCh38, 1-based): chr2:178,792,094, T>C on the plus strand (A>G on the coding strand, the complement: TTN is on the minus strand). VCF-style: chr2-178792094-T-C. GRCh37 (hg19) VCF-style: chr2-179656821-T-C.
Other names: c.1640A>G, p.Gln547Arg (NM_001256850.1, NM_003319.4, NM_133378.4 and 3 more transcripts); short protein forms Q547R.
Identifiers: ClinVar variation 404640 (VCV000404640.9), dbSNP rs774937703, ClinGen allele CA2006003.